The following is an entry in ClinVar:

ClinVar aggregate classification (germline): Pathogenic/Likely pathogenic. Review status: criteria provided, multiple submitters, no conflicts (2 of 4 stars). 2 submissions from 2 submitters: Pathogenic (1); Likely pathogenic (1). Last evaluated 2025-09-29.

Conditions:
Familial adenomatous polyposis 1 (FAP1). Also called: POLYPOSIS, ADENOMATOUS INTESTINAL; FAMILIAL ADENOMATOUS POLYPOSIS 1, ATTENUATED. Identifiers: MedGen C2713442, MONDO:0021056, OMIM 175100. Disease mechanism: loss of function.
Hereditary cancer-predisposing syndrome. Also called: Neoplastic Syndromes, Hereditary; Tumor predisposition; Hereditary Cancer Syndrome; Hereditary neoplastic syndrome. Identifiers: Orphanet 140162, MedGen C0027672, MeSH D009386, MONDO:0015356.

Submissions (2):

Ambry Genetics
Classification: Likely pathogenic for Hereditary cancer-predisposing syndrome. Last evaluated: 2025-09-29. Review status: criteria provided, single submitter. Criteria: Ambry Variant Classification Scheme 2023. Collection method: clinical testing. Allele origin: germline.
Comment: The p.Q2288* variant (also known as c.6862C>T), located in coding exon 15 of the APC gene, results from a C to T substitution at nucleotide position 6862. This changes the amino acid from a glutamine to a stop codon within coding exon 15. This alteration occurs at the 3' terminus of the gene, is not expected to trigger nonsense-mediated mRNA decay, and impacts the last 20% of the protein. However, premature stop codons are typically deleterious in nature, the impacted region is critical for protein function, and a significant portion of the protein is affected (Ambry internal data). This variant is considered to be rare based on population cohorts in the Genome Aggregation Database (gnomAD). Based on the majority of available evidence to date, this variant is likely to be pathogenic.

Labcorp Genetics (formerly Invitae), Labcorp
Classification: Pathogenic for Familial adenomatous polyposis 1. Last evaluated: 2018-11-05. Review status: criteria provided, single submitter. Criteria: Invitae Variant Classification Sherloc (09022015). Collection method: clinical testing. Allele origin: germline.
Comment: For these reasons, this variant has been classified as Pathogenic. A different truncation, c.7932_7935del (p.Tyr2645Lysfs*14), that lies downstream of this variant has been determined to be pathogenic (PMID: 9824584, 1316610, 27081525, 8381579, 22135120, Invitae). This variant is expected to disrupt the EB1 and HDLG binding sites, which mediate interactions with the cytoskeleton (PMID: 15311282, 17293347). While functional studies have not been performed to directly test the effect on APC protein function, this suggests that disruption of the C-terminal portion of the protein is functionally important. This variant has been reported in individuals in the Universal Mutation Database (PMID: 10612827). This variant is not present in population databases (ExAC no frequency). This sequence change results in a premature translational stop signal in the APC gene (p.Gln2288*). While this is not anticipated to result in nonsense mediated decay, it is expected to disrupt the last 556 amino acids of the APC protein.

Literature cited by the submitters: PubMed 9824584 (cited by Labcorp Genetics (formerly Invitae), Labcorp); PubMed 1316610 (cited by Labcorp Genetics (formerly Invitae), Labcorp); PubMed 27081525 (cited by Labcorp Genetics (formerly Invitae), Labcorp); PubMed 8381579 (cited by Labcorp Genetics (formerly Invitae), Labcorp); PubMed 22135120 (cited by Labcorp Genetics (formerly Invitae), Labcorp); PubMed 15311282 (cited by Labcorp Genetics (formerly Invitae), Labcorp); PubMed 17293347 (cited by Labcorp Genetics (formerly Invitae), Labcorp); PubMed 10612827 (cited by Labcorp Genetics (formerly Invitae), Labcorp).

NM_000038.6(APC):c.6862C>T (p.Gln2288Ter)

Gene: APC (APC regulator of Wnt signaling pathway; plus strand). Cytogenetic location: 5q22.2.
Variant type: single nucleotide variant.
Coding change: c.6862C>T on transcript NM_000038.6 (MANE Select); coding-DNA position 6862, C replaced by T.
Protein change: p.Gln2288Ter; replaces glutamine 2288 with a stop codon.
Molecular consequence: nonsense.
Genome position (GRCh38, 1-based): chr5:112,842,456, C>T. VCF-style: chr5-112842456-C-T. GRCh37 (hg19) VCF-style: chr5-112178153-C-T.
Other names: c.6862C>T, p.Gln2288Ter (NM_001127510.3, NM_001354895.2); c.6808C>T, p.Gln2270Ter (NM_001127511.3); c.6916C>T, p.Gln2306Ter (NM_001354896.2); c.6892C>T, p.Gln2298Ter (NM_001354897.2); c.6787C>T, p.Gln2263Ter (NM_001354898.2); c.6778C>T, p.Gln2260Ter (NM_001354899.2); c.6739C>T, p.Gln2247Ter (NM_001354900.2); c.6685C>T, p.Gln2229Ter (NM_001354901.2); and 5 more; short protein forms Q2260*, Q2288*, Q2197*, Q2247*, Q2298*, Q2128*, Q2162*, Q2187*.
Identifiers: ClinVar variation 640262 (VCV000640262.11), dbSNP rs1415318567, ClinGen allele CA16036309.
Genomic context (GRCh38, chr5:112,842,456, plus strand): 5'-ACCACTTCTCCTAGAGGAGCCAAGCCATCTGTGAAATCAGAATTAAGCCCTGTTGCCAGG[C>T]AGACATCCCAAATAGGTGGGTCAAGTAAAGCACCTTCTAGATCAGGATCTAGAGATTCGA-3'